The following is an entry in ClinVar:

NM_001267550.2(TTN):c.40633+3A>G

Gene: TTN (titin; minus strand). Cytogenetic location: 2q31.2.
Variant type: single nucleotide variant.
Coding change: c.40633+3A>G on transcript NM_001267550.2 (MANE Select); 3 bases into the intron after coding-DNA position 40633, A replaced by G.
Molecular consequence: intron variant.
Genome position (GRCh38, 1-based): chr2:178,641,238, T>C on the plus strand (A>G on the coding strand, the complement: TTN is on the minus strand). VCF-style: chr2-178641238-T-C. GRCh37 (hg19) VCF-style: chr2-179505965-T-C.
Other names: c.13438+3A>G (NM_003319.4); c.14014+3A>G (NM_133437.4); c.13813+3A>G (NM_133432.3); c.32929+3A>G (NM_133378.4); c.35710+3A>G (NM_001256850.1).
Identifiers: ClinVar variation 2940301 (VCV002940301.3), dbSNP rs1289693737, ClinGen allele CA538092042.
Genomic context (GRCh38, chr2:178,641,238, plus strand): 5'-ACCTTTTGTTAAATGTCCATTTTGTTAAAAGATAATCTTACAAATTGTCACTGAGATTCC[T>C]ACCTGCAGGTTTTTTAACTTTTTCTAGTTTTTTAGGTTCTACTTTAGGTTCTTCTTCTTC-3'

ClinVar aggregate classification (germline): Uncertain significance (1 of 4 stars; one submission).

Conditions:
Dilated cardiomyopathy 1G (CMD1G). Identifiers: Orphanet 154, MedGen C1858763, MONDO:0011400, OMIM 604145.
Autosomal recessive limb-girdle muscular dystrophy type 2J (LGMDR10). Also called: Limb-girdle muscular dystrophy, type 2J; MUSCULAR DYSTROPHY, LIMB-GIRDLE, AUTOSOMAL RECESSIVE 10. Identifiers: Orphanet 140922, MedGen C1837342, MONDO:0012127, OMIM 608807.

Submission:

Labcorp Genetics (formerly Invitae), Labcorp
Classification: Uncertain significance for Dilated cardiomyopathy 1G; Autosomal recessive limb-girdle muscular dystrophy type 2J. Last evaluated: 2023-07-14. Review status: criteria provided, single submitter. Criteria: Invitae Variant Classification Sherloc (09022015). Collection method: clinical testing. Allele origin: germline.
Comment: This variant is not present in population databases (gnomAD no frequency). In summary, the available evidence is currently insufficient to determine the role of this variant in disease. Therefore, it has been classified as a Variant of Uncertain Significance. This variant is located in the I band of TTN (PMID: 25589632). Variants in this region may be clinically relevant, but have not been definitively shown to cause cardiomyopathy or neuromuscular disease (PMID: 27493940, 32778822). Variants that disrupt the consensus splice site are a relatively common cause of aberrant splicing (PMID: 17576681, 9536098). Algorithms developed to predict the effect of sequence changes on RNA splicing suggest that this variant may disrupt the consensus splice site. This variant has not been reported in the literature in individuals affected with TTN-related conditions. This sequence change falls in intron 220 of the TTN gene. It does not directly change the encoded amino acid sequence of the TTN protein. It affects a nucleotide within the consensus splice site.

Literature cited by the submitters: PubMed 25589632; PubMed 27493940; PubMed 32778822; PubMed 17576681; PubMed 9536098.